The following is an entry in ClinVar:

NM_015425.6(POLR1A):c.355C>T (p.Leu119Phe)

Gene: POLR1A (RNA polymerase I subunit A; minus strand). Cytogenetic location: 2p11.2.
Variant type: single nucleotide variant.
Coding change: c.355C>T on transcript NM_015425.6 (MANE Select); coding-DNA position 355, C replaced by T.
Protein change: p.Leu119Phe; replaces leucine 119 with phenylalanine.
Molecular consequence: missense variant.
Genome position (GRCh38, 1-based): chr2:86,098,688, G>A on the plus strand (C>T on the coding strand, the complement: POLR1A is on the minus strand). VCF-style: chr2-86098688-G-A. GRCh37 (hg19) VCF-style: chr2-86325811-G-A.
Other names: short protein forms L119F.
Identifiers: ClinVar variation 4070849 (VCV004070849.2).

ClinVar aggregate classification (germline): Uncertain significance (1 of 4 stars; one submission).

Submission:

GeneDx
Classification: Uncertain significance. Last evaluated: 2026-10-08. Review status: criteria provided, single submitter. Criteria: GeneDx Variant Classification Process June 2021. Collection method: clinical testing. Allele origin: germline.
Comment: Not observed at significant frequency in large population cohorts (gnomAD); In silico analysis supports that this missense variant has a deleterious effect on protein structure/function; Has not been previously published as pathogenic or benign to our knowledge